The following is an entry in ClinVar:

NC_012920.1(MT-ND3):m.10188A>G

Gene: MT-ND3 (mitochondrially encoded NADH dehydrogenase 3; plus strand).
Variant type: single nucleotide variant.
Genome position: chrM-10188-A-G.
Identifiers: ClinVar variation 693269 (VCV000693269.1), dbSNP rs1603222715, ClinGen allele CA414804469.
Genomic context (GRCh38, chrMT:10,188, plus strand): 5'-CTACCACAACTCAACGGCTACATAGAAAAATCCACCCCTTACGAGTGCGGCTTCGACCCT[A>G]TATCCCCCGCCCGCGTCCCTTTCTCCATAAAATTCTTCTTAGTAGCTATTACCTTCTTAT-3'

ClinVar aggregate classification (germline): Likely benign (1 of 4 stars; one submission).

Conditions:
Leigh syndrome (NULS). Also called: Leigh's necrotizing encephalopathy; Leigh's disease; Leigh Syndrome (mtDNA deletion); Leigh Disease; Subacute necrotizing encephalopathy; Necrotizing encephalopathy infantile subacute of Leigh. Identifiers: Orphanet 506, MedGen C2931891, MONDO:0009723, OMIM 256000.

Submission:

Wong Mito Lab, Molecular and Human Genetics, Baylor College of Medicine
Classification: Likely benign for Leigh syndrome. Last evaluated: 2019-10-17. Review status: criteria provided, single submitter. Criteria: Modified ACMG Guidelines (Unpublished). Collection method: clinical testing. Allele origin: germline.
Comment: The NC_012920.1:m.10188A>G (YP_003024033.1:p.Met44Val) variant in MTND3 gene is interpretated to be a Likely Benign variant based on the modified ACMG guidelines (unpublished). This variant meets the following evidence codes: BS1, BP4